The following is an entry in ClinVar:

NM_144508.5(KNL1):c.6304del (p.Asp2102fs)

Gene: KNL1 (kinetochore scaffold 1; plus strand). Cytogenetic location: 15q15.1.
Variant type: Deletion.
Coding change: c.6304del on transcript NM_144508.5 (MANE Select); coding-DNA position 6304, one base deleted (G; older notation c.6304delG).
Protein change: p.Asp2102fs; shifts the reading frame from aspartic acid 2102.
Molecular consequence: frameshift variant.
Genome position (GRCh38, 1-based): chr15:40,651,562, G deleted; the last of 2 consecutive G bases (chr15:40,651,561-40,651,562); deleting either gives the same sequence. VCF-style (leftmost placement, unchanged base first): chr15-40651560-TG-T. GRCh37 (hg19) VCF-style: chr15-40943758-TG-T.
Other names: c.6382del, p.Asp2128fs (NM_170589.5); short protein forms D2102fs, D2128fs.
Identifiers: ClinVar variation 423391 (VCV000423391.2), dbSNP rs1064796397, ClinGen allele CA16619924.
Genomic context (GRCh38, chr15:40,651,560, plus strand): 5'-AGCAGACCCTTGCTCAAATAGACTTTATGCAAAAACAAAGAAATAGAACTGAAGAGCTAC[TG>T]GATCAGTTGAGGTAAGGAAATGCAGGCATCATTTGTTTGTGTTTTATTCTGTACCTTGTG-3'

ClinVar aggregate classification (germline): Likely pathogenic (1 of 4 stars; one submission).

Submission:

GeneDx
Classification: Likely pathogenic. Last evaluated: 2017-02-07. Review status: criteria provided, single submitter. Criteria: GeneDx Variant Classification (06012015). Collection method: clinical testing. Allele origin: germline. Affected: yes.
Comment: The c.6382delG variant in the CASC5 gene has not been reported previously as a pathogenic variant, nor as a benign variant, to our knowledge. The c.6382delG variant causes a frameshift starting with codon Aspartic acid 2128, changes this amino acid to a Isoleucine residue, and creates a premature Stop codon at position 3 of the new reading frame, denoted p.Asp2128IlefsX3. This variant is predicted to cause loss of normal protein function either through protein truncation or nonsense-mediated mRNA decay. The c.6382delG variant is not observed in large population cohorts (Lek et al., 2016; 1000 Genomes Consortium et al., 2015; Exome Variant Server). The c.6382delG variant is a strong candidate for a pathogenic variant, however the possibility it may be a rare benign variant cannot be excluded.